The following is an entry in ClinVar:

ClinVar aggregate classification (germline): Uncertain significance (1 of 4 stars; one submission).

Conditions:
CHARGE syndrome (CHARGE). Also called: Coloboma, heart anomaly, choanal atresia, retardation, genital and ear anomalies; CHARGE association; Hall-Hittner syndrome; Hittner Hirsch Kreh syndrome; CHARGE ASSOCIATION--COLOBOMA, HEART ANOMALY, CHOANAL ATRESIA, RETARDATION, GENITAL AND EAR ANOMALIES. Identifiers: Orphanet 138, MedGen C0265354, MONDO:0008965.

Allele frequency attached by ClinVar (database versions not stated): gnomAD exomes below 0.00001; ExAC 0.00001.

Submission:

Labcorp Genetics (formerly Invitae), Labcorp
Classification: Uncertain significance for CHARGE syndrome. Last evaluated: 2021-03-17. Review status: criteria provided, single submitter. Criteria: Invitae Variant Classification Sherloc (09022015). Collection method: clinical testing. Allele origin: germline.
Comment: This sequence change replaces proline with serine at codon 477 of the CHD7 protein (p.Pro477Ser). The proline residue is highly conserved and there is a moderate physicochemical difference between proline and serine. This variant is present in population databases (rs774211699, ExAC 0.002%). This variant has not been reported in the literature in individuals with CHD7-related conditions. Advanced modeling of protein sequence and biophysical properties (such as structural, functional, and spatial information, amino acid conservation, physicochemical variation, residue mobility, and thermodynamic stability) performed at Invitae indicates that this missense variant is not expected to disrupt CHD7 protein function. In summary, the available evidence is currently insufficient to determine the role of this variant in disease. Therefore, it has been classified as a Variant of Uncertain Significance.

NM_017780.4(CHD7):c.1429C>T (p.Pro477Ser)

Gene: CHD7 (chromodomain helicase DNA binding protein 7; plus strand). Cytogenetic location: 8q12.2.
Variant type: single nucleotide variant.
Coding change: c.1429C>T on transcript NM_017780.4 (MANE Select); coding-DNA position 1429, C replaced by T.
Protein change: p.Pro477Ser; replaces proline 477 with serine.
Molecular consequence: missense variant.
Genome position (GRCh38, 1-based): chr8:60,742,861, C>T. VCF-style: chr8-60742861-C-T. GRCh37 (hg19) VCF-style: chr8-61655420-C-T.
Other names: c.1429C>T, p.Pro477Ser (NM_001316690.1); short protein forms P477S.
Identifiers: ClinVar variation 1416107 (VCV001416107.8), dbSNP rs774211699, ClinGen allele CA4759493.